The following is an entry in ClinVar:

ClinVar aggregate classification (germline): Uncertain significance (1 of 4 stars; one submission).

Allele frequency attached by ClinVar (database versions not stated): gnomAD exomes below 0.00001.
gnomAD v4.1: 2 of 1,613,802 alleles (0.00012%); highest among the groups gnomAD compares: East Asian, 0.0022%; no homozygotes.

Submission:

Labcorp Genetics (formerly Invitae), Labcorp
Classification: Uncertain significance. Last evaluated: 2025-10-14. Review status: criteria provided, single submitter. Criteria: Invitae Variant Classification Sherloc (09022015). Collection method: clinical testing. Allele origin: germline.
Comment: This sequence change replaces aspartic acid, which is acidic and polar, with asparagine, which is neutral and polar, at codon 84 of the C9 protein (p.Asp84Asn). This variant is not present in population databases (gnomAD no frequency). This variant has not been reported in the literature in individuals affected with C9-related conditions. ClinVar contains an entry for this variant (Variation ID: 1422614). Invitae Evidence Modeling of protein sequence and biophysical properties (such as structural, functional, and spatial information, amino acid conservation, physicochemical variation, residue mobility, and thermodynamic stability) indicates that this missense variant is expected to disrupt C9 protein function with a positive predictive value of 80%. In summary, the available evidence is currently insufficient to determine the role of this variant in disease. Therefore, it has been classified as a Variant of Uncertain Significance.

NM_001737.5(C9):c.250G>A (p.Asp84Asn)

Gene: C9 (complement C9; minus strand). Cytogenetic location: 5p13.1.
Variant type: single nucleotide variant.
Coding change: c.250G>A on transcript NM_001737.5 (MANE Select); coding-DNA position 250, G replaced by A.
Protein change: p.Asp84Asn; replaces aspartic acid 84 with asparagine.
Molecular consequence: missense variant.
Genome position (GRCh38, 1-based): chr5:39,341,634, C>T on the plus strand (G>A on the coding strand, the complement: C9 is on the minus strand). VCF-style: chr5-39341634-C-T. GRCh37 (hg19) VCF-style: chr5-39341736-C-T.
Other names: short protein forms D84N.
Identifiers: ClinVar variation 1422614 (VCV001422614.6), dbSNP rs371700256, ClinGen allele CA117187622.
Genomic context (GRCh38, chr5:39,341,634, plus strand): 5'-CATTTCCGCAGTCATCCTCAGCATCCTCACAGGGCTCTGTGGGCACACACTGTCGTCTGT[C>T]TCCCACAGCGTCGGTGCATCTTTTCCCATTAAATTGTCCAAAGACCTCAATGCTTCTTGA-3'
Protein context (NP_001728.1, residues 74-94): NGKRCTDAVG[Asp84Asn]RRQCVPTEPC